The following is an entry in ClinVar:

NM_000311.5(PRNP):c.498G>A (p.Met166Ile)

Gene: PRNP (prion protein (Kanno blood group); plus strand). Cytogenetic location: 20p13.
Variant type: single nucleotide variant.
Coding change: c.498G>A on transcript NM_000311.5 (MANE Select); coding-DNA position 498, G replaced by A.
Protein change: p.Met166Ile; replaces methionine 166 with isoleucine.
Molecular consequence: missense variant. On other transcripts: 3 prime UTR variant (1).
Genome position (GRCh38, 1-based): chr20:4,699,718, G>A. VCF-style: chr20-4699718-G-A. GRCh37 (hg19) VCF-style: chr20-4680364-G-A.
Other names: c.498G>A, p.Met166Ile (NM_001080121.3, NM_001080122.3, NM_001080123.3 and 1 more transcripts); c.*187G>A (NM_001271561.3); short protein forms M166I.
Identifiers: ClinVar variation 1468083 (VCV001468083.7), dbSNP rs745480639, ClinGen allele CA9752086.

ClinVar aggregate classification (germline): Uncertain significance. Review status: criteria provided, multiple submitters, no conflicts (2 of 4 stars). 2 submissions from 2 submitters: Uncertain significance (2). Last evaluated 2022-08-09.

Conditions:
Kuru, susceptibility to. Identifiers: Orphanet 454745, MedGen C1855588, MONDO:0009500, OMIM 245300.
Huntington disease-like 1 (HDL1). Also called: HUNTINGTON-LIKE NEURODEGENERATIVE DISORDER 1; HUNTINGTON-LIKE NEURODEGENERATIVE DISORDER, AUTOSOMAL DOMINANT; PRION DISEASE, EARLY-ONSET, WITH PROMINENT PSYCHIATRIC FEATURES. Identifiers: Orphanet 157941, MedGen C1864112, MONDO:0011299, OMIM 603218.
Fatal familial insomnia (FFI). Also called: Fatal Familial Insomnia (FFI). Identifiers: Orphanet 466, MedGen C0206042, MONDO:0010808, OMIM 600072.
Inherited Creutzfeldt-Jakob disease. Also called: Creutzfeldt-Jakob Disease, Familial; Genetic Creutzfeldt-Jakob Disease (Genetic CJD). Identifiers: Orphanet 204, Orphanet 282166, Orphanet 454700, MedGen C0751254, MONDO:0007403, OMIM 123400.
Spongiform encephalopathy with neuropsychiatric features. Identifiers: MedGen C1847650, MONDO:0011703, OMIM 606688.
Gerstmann-Straussler-Scheinker syndrome (GSD). Also called: Spongiform encephalopathy; Cerebellar ataxia, progressive dementia, and amyloid deposits in the central nervous system; Encephalopathy subacute spongiform Gerstmann-Straussler type; Spinocerebellar ataxia and plaque-like deposits; GERSTMANN-STRAUSSLER DISEASE; CEREBELLAR ATAXIA, PROGRESSIVE DEMENTIA, AND AMYLOID DEPOSITS IN CNS. Identifiers: Orphanet 356, MedGen C0017495, MONDO:0007656, OMIM 137440.

Allele frequency attached by ClinVar (database versions not stated): gnomAD exomes 0.00001 and 0.00002; ExAC 0.00002; gnomAD 0.00002; TOPMed 0.00006.

Submissions (2):

Labcorp Genetics (formerly Invitae), Labcorp
Classification: Uncertain significance for Huntington disease-like 1. Last evaluated: 2022-08-09. Review status: criteria provided, single submitter. Criteria: Invitae Variant Classification Sherloc (09022015). Collection method: clinical testing. Allele origin: germline.
Comment: In summary, the available evidence is currently insufficient to determine the role of this variant in disease. Therefore, it has been classified as a Variant of Uncertain Significance. Algorithms developed to predict the effect of missense changes on protein structure and function output the following: SIFT: "Tolerated"; PolyPhen-2: "Benign"; Align-GVGD: "Class C0". The isoleucine amino acid residue is found in multiple mammalian species, which suggests that this missense change does not adversely affect protein function. ClinVar contains an entry for this variant (Variation ID: 1468083). This variant has not been reported in the literature in individuals affected with PRNP-related conditions. This variant is present in population databases (rs745480639, gnomAD 0.009%). This sequence change replaces methionine, which is neutral and non-polar, with isoleucine, which is neutral and non-polar, at codon 166 of the PRNP protein (p.Met166Ile).

Fulgent Genetics
Classification: Uncertain significance for Inherited Creutzfeldt-Jakob disease; Gerstmann-Straussler-Scheinker syndrome; Kuru, susceptibility to; Fatal familial insomnia; Huntington disease-like 1; Spongiform encephalopathy with neuropsychiatric features. Last evaluated: 2022-02-03. Review status: criteria provided, single submitter. Criteria: ACMG Guidelines, 2015. Collection method: clinical testing. Allele origin: unknown.